The following is an entry in ClinVar:

ClinVar aggregate classification (germline): Uncertain significance. Review status: criteria provided, multiple submitters, no conflicts (2 of 4 stars). 2 submissions from 2 submitters: Uncertain significance (2). Last evaluated 2026-01-08.

Conditions:
Intellectual developmental disorder with macrocephaly, seizures, and speech delay. Identifiers: MedGen C4748428, MONDO:0032568, OMIM 618158.

Submissions (2):

Clinical Genomics Laboratory, Washington University in St. Louis
Classification: Uncertain significance for Intellectual developmental disorder with macrocephaly, seizures, and speech delay. Last evaluated: 2026-01-08. Review status: criteria provided, single submitter. Criteria: ACMG Guidelines, 2015. Collection method: clinical testing. Allele origin: germline.
Comment: The ATP1A1 c.75_83del (p.Gly26_Lys28del) variant, to our knowledge, has not been reported in the medical literature but has been reported in the ClinVar database as a germline variant of uncertain significance by one submitter. This variant is only observed in 5/251,420 alleles in the general population (gnomAD v2.1.1), indicating it is not a common variant. This variant is predicted to cause a change in the length of the protein due to an in-frame deletion of three amino acids in a non-repeat region. Due to limited information, and based on ACMG/AMP guidelines for variant interpretation (Richards S et al., PMID: 25741868), the clinical significance of this variant is uncertain at this time.

Labcorp Genetics (formerly Invitae), Labcorp
Classification: Uncertain significance. Last evaluated: 2025-08-17. Review status: criteria provided, single submitter. Criteria: Invitae Variant Classification Sherloc (09022015). Collection method: clinical testing. Allele origin: germline.
Comment: This variant, c.75_83del, results in the deletion of 3 amino acid(s) of the ATP1A1 protein (p.Gly26_Lys28del), but otherwise preserves the integrity of the reading frame. This variant is present in population databases (rs769658184, gnomAD 0.009%). This variant has not been reported in the literature in individuals affected with ATP1A1-related conditions. Experimental studies and prediction algorithms are not available or were not evaluated, and the functional significance of this variant is currently unknown. In summary, the available evidence is currently insufficient to determine the role of this variant in disease. Therefore, it has been classified as a Variant of Uncertain Significance.

NM_000701.8(ATP1A1):c.66GGGCAAAAA[1] (p.23GKK[1])

Gene: ATP1A1 (ATPase Na+/K+ transporting subunit alpha 1; plus strand). Cytogenetic location: 1p13.1.
Variant type: Microsatellite.
Coding change: c.66GGGCAAAAA[1] on transcript NM_000701.8 (MANE Select); one copy of the 9-base unit GGGCAAAAA starting at c.66; the reference has two copies in a row; one copy, 9 bases deleted; also written c.75_83del.
Protein change: p.23GKK[1].
Molecular consequence: inframe deletion. On other transcripts: 5 prime UTR variant (1).
Genome position (GRCh38, 1-based): chr1:116,384,076-116,384,084, GGGCAAAAA deleted; deleting any 9 consecutive bases within chr1:116,384,062-116,384,084 gives the same sequence; the position shown is the placement nearest the transcript's 3' end. VCF-style (leftmost placement, unchanged base first): chr1-116384061-TAAAAAGGGC-T. GRCh37 (hg19) VCF-style: chr1-116926683-TAAAAAGGGC-T.
Other names: c.66GGGCAAAAA[1], p.23GKK[1] (NM_001160233.2); c.-28GGGCAAAAA[1] (NM_001160234.2); c.75_83del (NM_000701.8).
Identifiers: ClinVar variation 2185837 (VCV002185837.5), dbSNP rs769658184, ClinGen allele CA1025005.